The following is an entry in ClinVar:

NM_020708.5(SLC12A5):c.2265C>A (p.Ser755=)

Gene: SLC12A5 (solute carrier family 12 member 5; plus strand). Cytogenetic location: 20q13.12.
Variant type: single nucleotide variant.
Coding change: c.2265C>A on transcript NM_020708.5 (MANE Select); coding-DNA position 2265, C replaced by A.
Protein change: p.Ser755=; no amino-acid change (serine 755 retained).
Molecular consequence: synonymous variant.
Genome position (GRCh38, 1-based): chr20:46,051,758, C>A. VCF-style: chr20-46051758-C-A. GRCh37 (hg19) VCF-style: chr20-44680397-C-A.
Other names: c.2334C>A, p.Ser778= (NM_001134771.2).
Identifiers: ClinVar variation 2652362 (VCV002652362.24), dbSNP rs2515649321, ClinGen allele CA510655754.

ClinVar aggregate classification (germline): Likely benign (1 of 4 stars; one submission).

Submission:

CeGaT Center for Human Genetics Tuebingen
Classification: Likely benign. Last evaluated: 2022-12-01. Review status: criteria provided, single submitter. Criteria: CeGaT Center For Human Genetics Tuebingen Variant Classification Criteria Version 2. Collection method: clinical testing. Allele origin: germline. Affected: yes. Observed: 1 variant allele.
Comment: SLC12A5: PM2:Supporting, BP4, BP7